The following is an entry in ClinVar:

ClinVar aggregate classification (germline): Uncertain significance (1 of 4 stars; one submission).

gnomAD v4.1: 18 of 1,206,985 alleles (0.0015%); highest among the groups gnomAD compares: Admixed American, 0.0022%; no homozygotes.

Submission:

Labcorp Genetics (formerly Invitae), Labcorp
Classification: Uncertain significance. Last evaluated: 2024-11-27. Review status: criteria provided, single submitter. Criteria: Invitae Variant Classification Sherloc (09022015). Collection method: clinical testing. Allele origin: germline.
Comment: This sequence change replaces alanine, which is neutral and non-polar, with valine, which is neutral and non-polar, at codon 60 of the SMPX protein (p.Ala60Val). This variant is present in population databases (rs746359009, gnomAD 0.005%). This variant has not been reported in the literature in individuals affected with SMPX-related conditions. An algorithm developed to predict the effect of missense changes on protein structure and function (PolyPhen-2) suggests that this variant is likely to be tolerated. In summary, the available evidence is currently insufficient to determine the role of this variant in disease. Therefore, it has been classified as a Variant of Uncertain Significance.

NM_014332.3(SMPX):c.179C>T (p.Ala60Val)

Gene: SMPX (small muscle protein X-linked; minus strand). Cytogenetic location: Xp22.12.
Variant type: single nucleotide variant.
Coding change: c.179C>T on transcript NM_014332.3 (MANE Select); coding-DNA position 179, C replaced by T.
Protein change: p.Ala60Val; replaces alanine 60 with valine.
Molecular consequence: missense variant. On other transcripts: non-coding transcript variant (1).
Genome position (GRCh38, 1-based): chrX:21,737,651, G>A on the plus strand (C>T on the coding strand, the complement: SMPX is on the minus strand). VCF-style: chrX-21737651-G-A. GRCh37 (hg19) VCF-style: chrX-21755769-G-A.
Other names: short protein forms A60V.
Identifiers: ClinVar variation 3609151 (VCV003609151.2).